The following is an entry in ClinVar:

ClinVar aggregate classification (germline): Uncertain significance (1 of 4 stars; one submission).

Submission:

Ambry Genetics
Classification: Uncertain significance. Last evaluated: 2021-12-29. Review status: criteria provided, single submitter. Criteria: Ambry Variant Classification Scheme 2023. Collection method: clinical testing. Allele origin: germline.
Comment: The p.A200S variant (also known as c.598G>T), located in coding exon 1 of the EGLN2 gene, results from a G to T substitution at nucleotide position 598. The alanine at codon 200 is replaced by serine, an amino acid with similar properties. This amino acid position is conserved. In addition, this alteration is predicted to be tolerated by in silico analysis. Since supporting evidence is limited at this time, the clinical significance of this alteration remains unclear.

NM_080732.4(EGLN2):c.598G>T (p.Ala200Ser)

Genes: EGLN2 (egl-9 family hypoxia inducible factor 2; plus strand), RAB4B-EGLN2 (RAB4B-EGLN2 readthrough (NMD candidate); plus strand). Cytogenetic location: 19q13.2.
Variant type: single nucleotide variant.
Coding change: c.598G>T on transcript NM_080732.4 (MANE Select); coding-DNA position 598, G replaced by T.
Protein change: p.Ala200Ser; replaces alanine 200 with serine.
Molecular consequence: missense variant. On other transcripts: non-coding transcript variant (1).
Genome position (GRCh38, 1-based): chr19:40,801,170, G>T. VCF-style: chr19-40801170-G-T. GRCh37 (hg19) VCF-style: chr19-41307075-G-T.
Other names: c.598G>T, p.Ala200Ser (NM_053046.4); short protein forms A200S.
Identifiers: ClinVar variation 1750898 (VCV001750898.2), dbSNP rs2515994799, ClinGen allele CA405955598.